The following is an entry in ClinVar:

ClinVar aggregate classification (germline): Likely benign. Review status: criteria provided, single submitter (1 of 4 stars). 3 submissions from 3 submitters: Likely benign (1). 2 of the submissions do not count toward it. Last evaluated 2017-04-21.

Allele frequency attached by ClinVar (database versions not stated): ExAC 0.00002; gnomAD exomes 0.00002.

Submissions (3):

GeneDx
Classification: Likely benign. Last evaluated: 2017-04-21. Review status: criteria provided, single submitter. Criteria: GeneDx Variant Classification (06012015). Collection method: clinical testing. Allele origin: germline. Affected: yes.
Comment: This variant is considered likely benign or benign based on one or more of the following criteria: it is a conservative change, it occurs at a poorly conserved position in the protein, it is predicted to be benign by multiple in silico algorithms, and/or has population frequency not consistent with disease.

Joint Genome Diagnostic Labs from Nijmegen and Maastricht, Radboudumc and MUMC+
Classification: Likely benign. Review status: no assertion criteria provided. Collection method: clinical testing. Allele origin: germline. Affected: yes. Study: VKGL Data-share Consensus. Not counted in ClinVar's aggregate classification.

Laboratory of Diagnostic Genome Analysis, Leiden University Medical Center (LUMC)
Classification: Likely benign. Review status: no assertion criteria provided. Collection method: clinical testing. Allele origin: germline. Affected: yes. Study: VKGL Data-share Consensus. Not counted in ClinVar's aggregate classification.

NM_182961.4(SYNE1):c.17203-5del

Gene: SYNE1 (spectrin repeat containing nuclear envelope protein 1; minus strand). Cytogenetic location: 6q25.2.
Variant type: Deletion.
Coding change: c.17203-5del on transcript NM_182961.4 (MANE Select); 5 bases into the intron before coding-DNA position 17203, one base deleted (C; older notation c.17203-5delC).
Molecular consequence: intron variant.
Genome position (GRCh38, 1-based): chr6:152,308,637, G deleted on the plus strand (C on the coding strand, the reverse complement: SYNE1 is on the minus strand). VCF-style (leftmost placement, unchanged base first): chr6-152308636-TG-T. GRCh37 (hg19) VCF-style: chr6-152629771-TG-T.
Other names: c.16990-5del (NM_033071.5); c.16994-9delC (NM_033071.3).
Identifiers: ClinVar variation 506289 (VCV000506289.4), dbSNP rs762047465, ClinGen allele CA4055290.